The following is an entry in ClinVar:

NM_001605.3(AARS1):c.1657G>A (p.Asp553Asn)

Gene: AARS1 (alanyl-tRNA synthetase 1; minus strand). Cytogenetic location: 16q22.1.
Variant type: single nucleotide variant.
Coding change: c.1657G>A on transcript NM_001605.3 (MANE Select); coding-DNA position 1657, G replaced by A.
Protein change: p.Asp553Asn; replaces aspartic acid 553 with asparagine.
Molecular consequence: missense variant.
Genome position (GRCh38, 1-based): chr16:70,262,360, C>T on the plus strand (G>A on the coding strand, the complement: AARS1 is on the minus strand). VCF-style: chr16-70262360-C-T. GRCh37 (hg19) VCF-style: chr16-70296263-C-T.
Other names: short protein forms D553N.
Identifiers: ClinVar variation 2726791 (VCV002726791.3), dbSNP rs1447363914, ClinGen allele CA396559911.

ClinVar aggregate classification (germline): Uncertain significance (1 of 4 stars; one submission).

Conditions:
Charcot-Marie-Tooth disease type 2. Also called: Charcot-Marie-Tooth type 2. Identifiers: Orphanet 64746, MedGen C0270914, MONDO:0018993.

Allele frequency attached by ClinVar (database versions not stated): gnomAD exomes below 0.00001.
gnomAD v4.1: 3 of 1,614,226 alleles (0.00019%); highest among the groups gnomAD compares: Non-Finnish European, 0.00025%; no homozygotes.

Submission:

Labcorp Genetics (formerly Invitae), Labcorp
Classification: Uncertain significance for Charcot-Marie-Tooth disease type 2. Last evaluated: 2023-06-23. Review status: criteria provided, single submitter. Criteria: Invitae Variant Classification Sherloc (09022015). Collection method: clinical testing. Allele origin: germline.
Comment: This sequence change replaces aspartic acid, which is acidic and polar, with asparagine, which is neutral and polar, at codon 553 of the AARS protein (p.Asp553Asn). This variant is present in population databases (no rsID available, gnomAD 0.0009%). This variant has not been reported in the literature in individuals affected with AARS-related conditions. An algorithm developed to predict the effect of missense changes on protein structure and function (PolyPhen-2) suggests that this variant is likely to be tolerated. In summary, the available evidence is currently insufficient to determine the role of this variant in disease. Therefore, it has been classified as a Variant of Uncertain Significance.